The following is an entry in ClinVar:

NM_032043.3(BRIP1):c.3562G>A (p.Glu1188Lys)

Gene: BRIP1 (BRCA1 interacting DNA helicase 1; minus strand). Cytogenetic location: 17q23.2.
Variant type: single nucleotide variant.
Coding change: c.3562G>A on transcript NM_032043.3 (MANE Select); coding-DNA position 3562, G replaced by A.
Protein change: p.Glu1188Lys; replaces glutamic acid 1188 with lysine.
Molecular consequence: missense variant.
Genome position (GRCh38, 1-based): chr17:61,683,484, C>T on the plus strand (G>A on the coding strand, the complement: BRIP1 is on the minus strand). VCF-style: chr17-61683484-C-T. GRCh37 (hg19) VCF-style: chr17-59760845-C-T.
Other names: short protein forms E1188K.
Identifiers: ClinVar variation 185149 (VCV000185149.15), dbSNP rs786201962, ClinGen allele CA191159.

ClinVar aggregate classification (germline): Uncertain significance. Review status: criteria provided, multiple submitters, no conflicts (2 of 4 stars). 4 submissions from 4 submitters: Uncertain significance (4). Last evaluated 2023-08-11.

Conditions:
Hereditary cancer-predisposing syndrome. Also called: Tumor predisposition; Hereditary Cancer Syndrome; Hereditary neoplastic syndrome; Neoplastic Syndromes, Hereditary. Identifiers: Orphanet 140162, MedGen C0027672, MeSH D009386, MONDO:0015356.
Familial cancer of breast. Also called: BREAST CANCER, FAMILIAL; hereditary breast carcinoma; Hereditary breast cancer. Identifiers: Orphanet 227535, MedGen C0346153, MONDO:0016419, OMIM 114480. Disease mechanism: loss of function.
Fanconi anemia complementation group J. Also called: BRIP1-Related Fanconi Anemia. Identifiers: Orphanet 84, MedGen C1836860, MONDO:0012187, OMIM 609054.

Allele frequency attached by ClinVar (database versions not stated): gnomAD exomes below 0.00001.
gnomAD v4.1: 1 of 1,613,568 alleles (0.000062%); highest among the groups gnomAD compares: Non-Finnish European, 0.000085%; no homozygotes.

Submissions (4):

Labcorp Genetics (formerly Invitae), Labcorp
Classification: Uncertain significance for Familial cancer of breast; Fanconi anemia complementation group J. Last evaluated: 2023-08-11. Review status: criteria provided, single submitter. Criteria: Invitae Variant Classification Sherloc (09022015). Collection method: clinical testing. Allele origin: germline.
Comment: This sequence change replaces glutamic acid, which is acidic and polar, with lysine, which is basic and polar, at codon 1188 of the BRIP1 protein (p.Glu1188Lys). In summary, the available evidence is currently insufficient to determine the role of this variant in disease. Therefore, it has been classified as a Variant of Uncertain Significance. Algorithms developed to predict the effect of missense changes on protein structure and function output the following: SIFT: "Not Available"; PolyPhen-2: "Benign"; Align-GVGD: "Not Available". The lysine amino acid residue is found in multiple mammalian species, which suggests that this missense change does not adversely affect protein function. ClinVar contains an entry for this variant (Variation ID: 185149). This variant has not been reported in the literature in individuals affected with BRIP1-related conditions. This variant is not present in population databases (gnomAD no frequency).

Ambry Genetics
Classification: Uncertain significance for Hereditary cancer-predisposing syndrome. Last evaluated: 2023-07-15. Review status: criteria provided, single submitter. Criteria: Ambry Variant Classification Scheme 2023. Collection method: clinical testing. Allele origin: germline.
Comment: The p.E1188K variant (also known as c.3562G>A), located in coding exon 19 of the BRIP1 gene, results from a G to A substitution at nucleotide position 3562. The glutamic acid at codon 1188 is replaced by lysine, an amino acid with similar properties. This amino acid position is not well conserved in available vertebrate species. In addition, this alteration is predicted to be tolerated by in silico analysis. Since supporting evidence is limited at this time, the clinical significance of this alteration remains unclear.

GeneDx
Classification: Uncertain significance. Last evaluated: 2023-01-13. Review status: criteria provided, single submitter. Criteria: GeneDx Variant Classification Process June 2021. Collection method: clinical testing. Allele origin: germline. Affected: yes.
Comment: Not observed at significant frequency in large population cohorts (gnomAD); In silico analysis supports that this missense variant does not alter protein structure/function; Has not been previously published as pathogenic or benign to our knowledge

Sema4
Classification: Uncertain significance for Hereditary cancer-predisposing syndrome. Last evaluated: 2022-03-18. Review status: criteria provided, single submitter. Criteria: Sema4 Curation Guidelines. Collection method: curation. Allele origin: germline.
Comment: The BRIP1 c.3562G>A (p.E1188K) variant has not been reported in individuals with BRIP1-related disease. It has been reported in a large case-control study of breast cancer in 0/60466 cases and 1/53461 controls (PMID: 33471991). This variant is not reported in the population database Genome Aggregation Database (PMID: 32461654). This variant has been reported in ClinVar (Variation ID: 185149). In silico tools suggest the impact of the variant on protein function is benign, though these predictions have not been confirmed by functional studies. The evidence is insufficient to meet ACMG/AMP criteria for classifying the variant as benign or pathogenic. Thus, the clinical significance of this variant is currently uncertain.

Literature cited by the submitters: PubMed 33471991 (cited by Sema4).